The following is an entry in ClinVar:

ClinVar aggregate classification (germline): Pathogenic/Likely pathogenic. Review status: criteria provided, multiple submitters, no conflicts (2 of 4 stars). 2 submissions from 2 submitters: Pathogenic (1); Likely pathogenic (1). Last evaluated 2023-06-23.

Conditions:
Fanconi anemia (FA). Also called: Fanconi's anemia. Identifiers: Orphanet 84, MedGen C0015625, MeSH D005199, MONDO:0019391.
FANCD2-related disorder. Also called: FANCD2-related condition.

gnomAD v4.1: 1 of 1,613,746 alleles (0.000062%); highest among the groups gnomAD compares: Non-Finnish European, 0.000085%; no homozygotes.

Submissions (2):

Labcorp Genetics (formerly Invitae), Labcorp
Classification: Pathogenic for Fanconi anemia. Last evaluated: 2023-06-23. Review status: criteria provided, single submitter. Criteria: Invitae Variant Classification Sherloc (09022015). Collection method: clinical testing. Allele origin: germline.
Comment: Algorithms developed to predict the effect of sequence changes on RNA splicing suggest that this variant may disrupt the consensus splice site. This variant has not been reported in the literature in individuals affected with FANCD2-related conditions. This variant is not present in population databases (gnomAD no frequency). This sequence change creates a premature translational stop signal (p.Gln340*) in the FANCD2 gene. It is expected to result in an absent or disrupted protein product. Loss-of-function variants in FANCD2 are known to be pathogenic (PMID: 17436244). For these reasons, this variant has been classified as Pathogenic.

PreventionGenetics, part of Exact Sciences
Classification: Likely pathogenic for FANCD2-related condition. Last evaluated: 2022-08-18. Review status: criteria provided, single submitter. Criteria: ACMG Guidelines, 2015. Collection method: clinical testing. Allele origin: germline.
Comment: The FANCD2 c.1018C>T variant is predicted to result in premature protein termination (p.Gln340*). To our knowledge, this variant has not been reported in the literature or in a large population database, indicating this variant is rare. Nonsense variants in FANCD2 are expected to be pathogenic. This variant is interpreted as likely pathogenic.

Literature cited by the submitters: PubMed 17436244 (cited by Labcorp Genetics (formerly Invitae), Labcorp).

NM_001018115.3(FANCD2):c.1018C>T (p.Gln340Ter)

Genes: FANCD2 (FA complementation group D2; plus strand), LOC107303338 (3p25 FANCD2 Alu-mediated recombination region; plus strand). Cytogenetic location: 3p25.3.
Variant type: single nucleotide variant.
Coding change: c.1018C>T on transcript NM_001018115.3 (MANE Select); coding-DNA position 1018, C replaced by T.
Protein change: p.Gln340Ter; replaces glutamine 340 with a stop codon.
Molecular consequence: nonsense.
Genome position (GRCh38, 1-based): chr3:10,043,512, C>T. VCF-style: chr3-10043512-C-T. GRCh37 (hg19) VCF-style: chr3-10085196-C-T.
Other names: c.1018C>T, p.Gln340Ter (NM_001319984.2, NM_001374253.1, NM_001374254.1 and 1 more transcripts); short protein forms Q340*.
Identifiers: ClinVar variation 2636458 (VCV002636458.4), dbSNP rs2086918352, ClinGen allele CA351730570.